The following is an entry in ClinVar:

NM_001374736.1(DST):c.22837C>T (p.Arg7613Ter)

Gene: DST (dystonin; minus strand). Cytogenetic location: 6p12.1.
Variant type: single nucleotide variant.
Coding change: c.22837C>T on transcript NM_001374736.1 (MANE Select); coding-DNA position 22837, C replaced by T.
Protein change: p.Arg7613Ter; replaces arginine 7613 with a stop codon.
Molecular consequence: nonsense.
Genome position (GRCh38, 1-based): chr6:56,463,687, G>A on the plus strand (C>T on the coding strand, the complement: DST is on the minus strand). VCF-style: chr6-56463687-G-A. GRCh37 (hg19) VCF-style: chr6-56328485-G-A.
Other names: c.16408C>T, p.Arg5470Ter (NM_001144769.5); c.15994C>T, p.Arg5332Ter (NM_001144770.2); c.22765C>T, p.Arg7589Ter (NM_001374722.1); c.21877C>T, p.Arg7293Ter (NM_001374729.1); c.15619C>T, p.Arg5207Ter (NM_001374730.1); c.22792C>T, p.Arg7598Ter (NM_001374734.1); c.15856C>T, p.Arg5286Ter (NM_001386100.1); c.14896C>T, p.Arg4966Ter (NM_015548.5); and 1 more; short protein forms R4966*, R5207*, R5286*, R5292*, R5332*, R5470*, R7293*, R7589*.
Identifiers: ClinVar variation 3048410 (VCV003048410.3), dbSNP rs2533287826, ClinGen allele CA364504946.

ClinVar aggregate classification (germline): Likely pathogenic (1 of 4 stars; one submission).

Conditions:
DST-related disorder. Also called: DST-related condition; DST-related disorders.

Allele frequency attached by ClinVar (database versions not stated): gnomAD exomes below 0.00001.
gnomAD v4.1: 1 of 1,613,938 alleles (0.000062%); highest among the groups gnomAD compares: Non-Finnish European, 0.000085%; no homozygotes.

Submission:

PreventionGenetics, part of Exact Sciences
Classification: Likely pathogenic for DST-related condition. Last evaluated: 2026-06-02. Review status: criteria provided, single submitter. Criteria: ACMG Guidelines, 2015. Collection method: clinical testing. Allele origin: germline.
Comment: The DST c.16408C>T variant is predicted to result in premature protein termination (p.Arg5470*). To our knowledge, this variant has not been reported in the literature or in a large population database (gnomAD), indicating this variant is rare. Nonsense variants in DST are expected to be pathogenic. This variant is interpreted as likely pathogenic.